The following is an entry in ClinVar:

ClinVar aggregate classification (germline): Uncertain significance. Review status: criteria provided, multiple submitters, no conflicts (2 of 4 stars). 3 submissions from 3 submitters: Uncertain significance (3). Last evaluated 2025-09-04.

Conditions:
Cardiovascular phenotype. Identifiers: MedGen CN230736.
Hypertrophic cardiomyopathy 12. Identifiers: MedGen C2677491, MONDO:0012804, OMIM 612124.
Dilated cardiomyopathy 1M (CMD1M). Identifiers: Orphanet 154, MedGen C1843808, MONDO:0011840, OMIM 607482.

Allele frequency attached by ClinVar (database versions not stated): TOPMed 0.00001; gnomAD 0.00001.

Submissions (3):

Ambry Genetics
Classification: Uncertain significance for Cardiovascular phenotype. Last evaluated: 2025-09-04. Review status: criteria provided, single submitter. Criteria: Ambry Variant Classification Scheme 2023. Collection method: clinical testing. Allele origin: germline.
Comment: The p.T84M variant (also known as c.251C>T), located in coding exon 2 of the CSRP3 gene, results from a C to T substitution at nucleotide position 251. The threonine at codon 84 is replaced by methionine, an amino acid with similar properties. This variant was detected in individuals from hypertrophic cardiomyopathy cohorts; however, clinical details were limited, and additional cardiac variants were detected in some cases (Forleo C et al. PLoS One, 2017 Jul;12:e0181842; Norrish G et al. Circulation, 2019 07;140:184-192; van Lint FHM et al. Neth Heart J, 2019 Jun;27:304-309). This amino acid position is well conserved in available vertebrate species. In addition, this alteration is predicted to be tolerated by in silico analysis. Based on the available evidence, the clinical significance of this variant remains unclear.

Labcorp Genetics (formerly Invitae), Labcorp
Classification: Uncertain significance for Hypertrophic cardiomyopathy 12; Dilated cardiomyopathy 1M. Last evaluated: 2025-06-01. Review status: criteria provided, single submitter. Criteria: Invitae Variant Classification Sherloc (09022015). Collection method: clinical testing. Allele origin: germline.
Comment: This sequence change replaces threonine, which is neutral and polar, with methionine, which is neutral and non-polar, at codon 84 of the CSRP3 protein (p.Thr84Met). This variant is present in population databases (rs777327517, gnomAD 0.009%). This variant has not been reported in the literature in individuals affected with CSRP3-related conditions. ClinVar contains an entry for this variant (Variation ID: 476571). An algorithm developed to predict the effect of missense changes on protein structure and function (PolyPhen-2) suggests that this variant is likely to be disruptive. In summary, the available evidence is currently insufficient to determine the role of this variant in disease. Therefore, it has been classified as a Variant of Uncertain Significance.

Fulgent Genetics
Classification: Uncertain significance for Dilated cardiomyopathy 1M; Hypertrophic cardiomyopathy 12. Last evaluated: 2022-02-02. Review status: criteria provided, single submitter. Criteria: ACMG Guidelines, 2015. Collection method: clinical testing. Allele origin: unknown.

Literature cited by the submitters: PubMed 28750076 (cited by Ambry Genetics); PubMed 30847666 (cited by Ambry Genetics); PubMed 31006259 (cited by Ambry Genetics).

NM_003476.5(CSRP3):c.251C>T (p.Thr84Met)

Gene: CSRP3 (cysteine and glycine rich protein 3; minus strand). Cytogenetic location: 11p15.1.
Variant type: single nucleotide variant.
Coding change: c.251C>T on transcript NM_003476.5 (MANE Select); coding-DNA position 251, C replaced by T.
Protein change: p.Thr84Met; replaces threonine 84 with methionine.
Molecular consequence: missense variant. On other transcripts: intron variant (1).
Genome position (GRCh38, 1-based): chr11:19,188,166, G>A on the plus strand (C>T on the coding strand, the complement: CSRP3 is on the minus strand). VCF-style: chr11-19188166-G-A. GRCh37 (hg19) VCF-style: chr11-19209713-G-A.
Other names: c.113-1818C>T (NM_001369404.1); short protein forms T84M.
Identifiers: ClinVar variation 476571 (VCV000476571.9), dbSNP rs777327517, ClinGen allele CA5916611.